The following is an entry in ClinVar:

NM_030777.4(SLC2A10):c.56dup (p.Leu20fs)

Gene: SLC2A10 (solute carrier family 2 member 10; plus strand). Cytogenetic location: 20q13.12.
Variant type: Duplication.
Coding change: c.56dup on transcript NM_030777.4 (MANE Select); coding-DNA position 56, one base duplicated (G; older notation c.56dupG).
Protein change: p.Leu20fs; shifts the reading frame from leucine 20.
Molecular consequence: frameshift variant.
Genome position (GRCh38, 1-based): chr20:46,725,092, G duplicated; the last of 2 consecutive G bases (chr20:46,725,091-46,725,092); duplicating either gives the same sequence. VCF-style (leftmost placement, unchanged base first): chr20-46725090-T-TG. GRCh37 (hg19) VCF-style: chr20-45353729-T-TG.
Other names: short protein forms L20fs.
Identifiers: ClinVar variation 2572073 (VCV002572073.2), dbSNP rs2515585891, ClinGen allele CA2580615417.

ClinVar aggregate classification (germline): Likely pathogenic (1 of 4 stars; one submission).

Conditions:
Arterial tortuosity syndrome (ATORS). Identifiers: Orphanet 3342, MedGen C1859726, MONDO:0008818, OMIM 208050.

Submission:

Shaine Morris Lab, Baylor College of Medicine
Classification: Likely pathogenic for Arterial tortuosity syndrome. Last evaluated: 2023-07-11. Review status: criteria provided, single submitter. Criteria: ACMG Guidelines, 2015. Collection method: clinical testing. Allele origin: unknown. Inheritance: Autosomal recessive inheritance. Affected: yes. Observed: 1 variant allele, 1 homozygote.
Comment: Classified as "disease-causing" by laboratory report, interpreted as pathogenic based on local center clinical notes. Classified as likely pathogenic on VarSome. This variant for this particular patient meets ACMG criteria PVS1, PP4, and PM2. VarSome germline classification is 9 points (9 P - 0 B)

Literature cited by the submitters: PubMed 29323665.